The following is an entry in ClinVar:

NM_001831.4(CLU):c.545G>A (p.Arg182His)

Gene: CLU (clusterin; minus strand). Cytogenetic location: 8p21.1.
Variant type: single nucleotide variant.
Coding change: c.545G>A on transcript NM_001831.4 (MANE Select); coding-DNA position 545, G replaced by A.
Protein change: p.Arg182His; replaces arginine 182 with histidine.
Molecular consequence: missense variant. On other transcripts: non-coding transcript variant (2).
Genome position (GRCh38, 1-based): chr8:27,605,208, C>T on the plus strand (G>A on the coding strand, the complement: CLU is on the minus strand). VCF-style: chr8-27605208-C-T. GRCh37 (hg19) VCF-style: chr8-27462725-C-T.
Other names: short protein forms R182H.
Identifiers: ClinVar variation 3354350 (VCV003354350.1).

ClinVar aggregate classification (germline): Likely benign (0 of 4 stars; one submission).

Conditions:
CLU-related disorder. Also called: CLU-related condition.

gnomAD v4.1: 1,419 of 1,614,174 alleles (0.088%); highest among the groups gnomAD compares: East Asian, 0.12%; 5 homozygotes.

Submission:

PreventionGenetics, part of Exact Sciences
Classification: Likely benign for CLU-related condition. Last evaluated: 2024-08-30. Review status: no assertion criteria provided. Collection method: clinical testing. Allele origin: germline.
Comment: This variant is classified as likely benign based on ACMG/AMP sequence variant interpretation guidelines (Richards et al. 2015 PMID: 25741868, with internal and published modifications).